The following is an entry in ClinVar:

NM_000416.3(IFNGR1):c.808A>G (p.Ile270Val)

Gene: IFNGR1 (interferon gamma receptor 1; minus strand). Cytogenetic location: 6q23.3.
Variant type: single nucleotide variant.
Coding change: c.808A>G on transcript NM_000416.3 (MANE Select); coding-DNA position 808, A replaced by G.
Protein change: p.Ile270Val; replaces isoleucine 270 with valine.
Molecular consequence: missense variant.
Genome position (GRCh38, 1-based): chr6:137,200,934, T>C on the plus strand (A>G on the coding strand, the complement: IFNGR1 is on the minus strand). VCF-style: chr6-137200934-T-C. GRCh37 (hg19) VCF-style: chr6-137522071-T-C.
Other names: c.778A>G, p.Ile260Val (NM_001363526.1); c.685A>G, p.Ile229Val (NM_001363527.1); short protein forms I229V, I260V, I270V.
Identifiers: ClinVar variation 3007813 (VCV003007813.4), dbSNP rs1779263079, ClinGen allele CA365773980.

ClinVar aggregate classification (germline): Conflicting classifications of pathogenicity. Review status: criteria provided, conflicting classifications (1 of 4 stars). 2 submissions from 2 submitters: Uncertain significance (1); Likely benign (1). Last evaluated 2024-08-06.

Conditions:
Disseminated atypical mycobacterial infection. Identifiers: MedGen C0694566.

Allele frequency attached by ClinVar (database versions not stated): gnomAD exomes below 0.00001; TOPMed 0.00001.
gnomAD v4.1: 1 of 1,609,502 alleles (0.000062%); highest among the groups gnomAD compares: Non-Finnish European, 0.000085%; no homozygotes.

Submissions (2):

Labcorp Genetics (formerly Invitae), Labcorp
Classification: Uncertain significance for Disseminated atypical mycobacterial infection. Last evaluated: 2024-08-06. Review status: criteria provided, single submitter. Criteria: Invitae Variant Classification Sherloc (09022015). Collection method: clinical testing. Allele origin: germline.
Comment: This sequence change replaces isoleucine, which is neutral and non-polar, with valine, which is neutral and non-polar, at codon 270 of the IFNGR1 protein (p.Ile270Val). This variant is not present in population databases (gnomAD no frequency). This variant has not been reported in the literature in individuals affected with IFNGR1-related conditions. Advanced modeling of protein sequence and biophysical properties (such as structural, functional, and spatial information, amino acid conservation, physicochemical variation, residue mobility, and thermodynamic stability) performed at Invitae indicates that this missense variant is not expected to disrupt IFNGR1 protein function with a negative predictive value of 80%. In summary, the available evidence is currently insufficient to determine the role of this variant in disease. Therefore, it has been classified as a Variant of Uncertain Significance.

Blueprint Genetics
Classification: Likely benign. Last evaluated: 2021-09-28. Review status: criteria provided, single submitter. Criteria: ACMG Guidelines, 2015. Collection method: clinical testing. Allele origin: germline.